The following is an entry in ClinVar:

ClinVar aggregate classification (germline): Uncertain significance (0 of 4 stars; one submission).

Conditions:
ZIC2-related disorder. Also called: ZIC2-related condition.

Submission:

PreventionGenetics, part of Exact Sciences
Classification: Uncertain significance for ZIC2-related condition. Last evaluated: 2024-06-18. Review status: no assertion criteria provided. Collection method: clinical testing. Allele origin: germline.
Comment: The ZIC2 c.976G>T variant is predicted to result in the amino acid substitution p.Val326Leu. To our knowledge, this variant has not been reported in the literature or in gnomAD, indicating this variant is rare. At this time, the clinical significance of this variant is uncertain due to the absence of conclusive functional and genetic evidence.

NM_007129.5(ZIC2):c.976G>T (p.Val326Leu)

Gene: ZIC2 (Zic family member 2; plus strand). Cytogenetic location: 13q32.3.
Variant type: single nucleotide variant.
Coding change: c.976G>T on transcript NM_007129.5 (MANE Select); coding-DNA position 976, G replaced by T.
Protein change: p.Val326Leu; replaces valine 326 with leucine.
Molecular consequence: missense variant.
Genome position (GRCh38, 1-based): chr13:99,983,040, G>T. VCF-style: chr13-99983040-G-T. GRCh37 (hg19) VCF-style: chr13-100635294-G-T.
Other names: short protein forms V326L.
Identifiers: ClinVar variation 3354499 (VCV003354499.1).
Genomic context (GRCh38, chr13:99,983,040, plus strand): 5'-GAGTGTCCGCGCGAGGGCAAGCCCTTCAAGGCCAAATACAAACTGGTCAACCACATCCGC[G>T]TGCACACAGGCGAGAAACCCTTCCCCTGCCCCTTCCCGGGCTGTGGCAAAGTCTTCGCGC-3'
Protein context (NP_009060.2, residues 316-336): AKYKLVNHIR[Val326Leu]HTGEKPFPCP